The following is an entry in ClinVar:

NM_053025.4(MYLK):c.4555C>G (p.Pro1519Ala)

Gene: MYLK (myosin light chain kinase; minus strand). Cytogenetic location: 3q21.1.
Variant type: single nucleotide variant.
Coding change: c.4555C>G on transcript NM_053025.4 (MANE Select); coding-DNA position 4555, C replaced by G.
Protein change: p.Pro1519Ala; replaces proline 1519 with alanine.
Molecular consequence: missense variant.
Genome position (GRCh38, 1-based): chr3:123,647,288, G>C on the plus strand (C>G on the coding strand, the complement: MYLK is on the minus strand). VCF-style: chr3-123647288-G-C. GRCh37 (hg19) VCF-style: chr3-123366135-G-C.
Other names: c.4027C>G, p.Pro1343Ala (NM_001321309.2); c.4348C>G, p.Pro1450Ala (NM_053026.4, NM_053028.4); c.4555C>G, p.Pro1519Ala (NM_053027.4); short protein forms P1450A, P1343A, P1519A.
Identifiers: ClinVar variation 3665874 (VCV003665874.2).

ClinVar aggregate classification (germline): Uncertain significance (1 of 4 stars; one submission).

Conditions:
Aortic aneurysm, familial thoracic 7 (AAT7). Also called: AORTIC DISSECTION, FAMILIAL, WITH OR WITHOUT AORTIC ANEURYSM. Identifiers: MedGen C3151077, MONDO:0013418, OMIM 613780.

Submission:

Labcorp Genetics (formerly Invitae), Labcorp
Classification: Uncertain significance for Aortic aneurysm, familial thoracic 7. Last evaluated: 2024-10-10. Review status: criteria provided, single submitter. Criteria: Invitae Variant Classification Sherloc (09022015). Collection method: clinical testing. Allele origin: germline.
Comment: This sequence change replaces proline, which is neutral and non-polar, with alanine, which is neutral and non-polar, at codon 1519 of the MYLK protein (p.Pro1519Ala). This variant is not present in population databases (gnomAD no frequency). This variant has not been reported in the literature in individuals affected with MYLK-related conditions. Invitae Evidence Modeling of protein sequence and biophysical properties (such as structural, functional, and spatial information, amino acid conservation, physicochemical variation, residue mobility, and thermodynamic stability) indicates that this missense variant is not expected to disrupt MYLK protein function with a negative predictive value of 80%. In summary, the available evidence is currently insufficient to determine the role of this variant in disease. Therefore, it has been classified as a Variant of Uncertain Significance.